The following is an entry in ClinVar:

ClinVar aggregate classification (germline): Benign/Likely benign. Review status: criteria provided, multiple submitters, no conflicts (2 of 4 stars). 2 submissions from 2 submitters: Benign (1); Likely benign (1). Last evaluated 2025-01-07.

Conditions:
Lynch syndrome 5 (LYNCH5). Also called: Colorectal cancer, hereditary nonpolyposis, type 5; Hereditary non-polyposis colorectal cancer, type 5. Identifiers: Orphanet 144, MedGen C1833477, MONDO:0013710, OMIM 614350. Disease mechanism: loss of function.
Hereditary nonpolyposis colorectal neoplasms. Identifiers: MedGen C0009405, MeSH D003123.

Submissions (2):

Myriad Genetics, Inc.
Classification: Benign for Lynch syndrome 5. Last evaluated: 2025-01-07. Review status: criteria provided, single submitter. Criteria: Myriad Autosomal Dominant, Autosomal Recessive and X-Linked Classification Criteria (2023). Collection method: clinical testing. Allele origin: unknown.
Comment: This variant is considered benign. This variant is a silent/synonymous amino acid change and it is not expected to impact splicing.

Labcorp Genetics (formerly Invitae), Labcorp
Classification: Likely benign for Hereditary nonpolyposis colorectal neoplasms. Last evaluated: 2020-02-26. Review status: criteria provided, single submitter. Criteria: Invitae Variant Classification Sherloc (09022015). Collection method: clinical testing. Allele origin: germline.

NM_000179.3(MSH6):c.3633T>C (p.Leu1211=)

Gene: MSH6 (mutS homolog 6; plus strand). Cytogenetic location: 2p16.3.
Variant type: single nucleotide variant.
Coding change: c.3633T>C on transcript NM_000179.3 (MANE Select); coding-DNA position 3633, T replaced by C.
Protein change: p.Leu1211=; no amino-acid change (leucine 1211 retained).
Molecular consequence: synonymous variant.
Genome position (GRCh38, 1-based): chr2:47,805,694, T>C. VCF-style: chr2-47805694-T-C. GRCh37 (hg19) VCF-style: chr2-48032833-T-C.
Other names: c.3243T>C, p.Leu1081= (NM_001281492.2); c.2727T>C, p.Leu909= (NM_001281493.2, NM_001281494.2).
Identifiers: ClinVar variation 1136865 (VCV001136865.11), dbSNP rs778650240, ClinGen allele CA46717463.